The following is an entry in ClinVar:

NM_000404.4(GLB1):c.2008A>G (p.Lys670Glu)

Gene: GLB1 (galactosidase beta 1; minus strand). Cytogenetic location: 3p22.3.
Variant type: single nucleotide variant.
Coding change: c.2008A>G on transcript NM_000404.4 (MANE Select); coding-DNA position 2008, A replaced by G.
Protein change: p.Lys670Glu; replaces lysine 670 with glutamic acid.
Molecular consequence: missense variant. On other transcripts: intron variant (1).
Genome position (GRCh38, 1-based): chr3:32,997,071, T>C on the plus strand (A>G on the coding strand, the complement: GLB1 is on the minus strand). VCF-style: chr3-32997071-T-C. GRCh37 (hg19) VCF-style: chr3-33038563-T-C.
Other names: c.1918A>G, p.Lys640Glu (NM_001079811.3); c.1615A>G, p.Lys539Glu (NM_001135602.3); c.2152A>G, p.Lys718Glu (NM_001317040.2); c.1734+16985A>G (NM_001393580.1); short protein forms K539E, K718E, K640E, K670E.
Identifiers: ClinVar variation 1365634 (VCV001365634.9), dbSNP rs2125442597, ClinGen allele CA351999895.

ClinVar aggregate classification (germline): Uncertain significance (1 of 4 stars; one submission).

Conditions:
Mucopolysaccharidosis, MPS-IV-B (MPS4B). Also called: MORQUIO SYNDROME B; Mucopolysaccharidosis Type IVB (Morquio B Disease); Mucopolysaccharidosis type 4B; Mucopolysaccharidosis type IVB (Morquio); MPS IVB; Mucopolysaccharidosis type IV B. Identifiers: Orphanet 309310, Orphanet 582, MedGen C0086652, MONDO:0009660, OMIM 253010.
GM1 gangliosidosis. Identifiers: Orphanet 354, MedGen C0085131, MONDO:0018149.

Allele frequency attached by ClinVar (database versions not stated): gnomAD exomes below 0.00001.
gnomAD v4.1: 6 of 1,614,186 alleles (0.00037%); highest among the groups gnomAD compares: Non-Finnish European, 0.00051%; no homozygotes.

Submission:

Labcorp Genetics (formerly Invitae), Labcorp
Classification: Uncertain significance for Mucopolysaccharidosis, MPS-IV-B; GM1 gangliosidosis. Last evaluated: 2021-12-02. Review status: criteria provided, single submitter. Criteria: Invitae Variant Classification Sherloc (09022015). Collection method: clinical testing. Allele origin: germline.
Comment: Advanced modeling of protein sequence and biophysical properties (such as structural, functional, and spatial information, amino acid conservation, physicochemical variation, residue mobility, and thermodynamic stability) performed at Invitae indicates that this missense variant is not expected to disrupt GLB1 protein function. This sequence change replaces lysine, which is basic and polar, with glutamic acid, which is acidic and polar, at codon 670 of the GLB1 protein (p.Lys670Glu). This variant is not present in population databases (gnomAD no frequency). This variant has not been reported in the literature in individuals affected with GLB1-related conditions. In summary, the available evidence is currently insufficient to determine the role of this variant in disease. Therefore, it has been classified as a Variant of Uncertain Significance.